The following is an entry in ClinVar:

NM_001370259.2(MEN1):c.1392G>A (p.Ala464=)

Gene: MEN1 (menin 1; minus strand). Cytogenetic location: 11q13.1.
Variant type: single nucleotide variant.
Coding change: c.1392G>A on transcript NM_001370259.2 (MANE Select); coding-DNA position 1392, G replaced by A.
Protein change: p.Ala464=; no amino-acid change (alanine 464 retained).
Molecular consequence: synonymous variant.
Genome position (GRCh38, 1-based): chr11:64,804,775, C>T on the plus strand (G>A on the coding strand, the complement: MEN1 is on the minus strand). VCF-style: chr11-64804775-C-T. GRCh37 (hg19) VCF-style: chr11-64572247-C-T.
Other names: c.1407G>A, p.Ala469= (NM_000244.4, NM_130800.3, NM_130801.3 and 3 more transcripts); c.1518G>A, p.Ala506= (NM_001370251.2); c.1392G>A, p.Ala464= (NM_001370260.2, NM_001370261.2, NM_130799.3); c.1287G>A, p.Ala429= (NM_001370262.2, NM_001370263.2); c.1407G>A (NM_000244.3).
Identifiers: ClinVar variation 241804 (VCV000241804.46), dbSNP rs754445482, ClinGen allele CA060614.

ClinVar aggregate classification (germline): Benign/Likely benign. Review status: criteria provided, multiple submitters, no conflicts (2 of 4 stars). 10 submissions from 10 submitters: Benign (1); Likely benign (8). 1 of the submissions does not count toward it. Last evaluated 2026-04-01.

Conditions:
Multiple endocrine neoplasia, type 1 (MEN1). Also called: Endocrine adenomatosis multiple; MEN 1; MEN I; WERMER SYNDROME; MEA I. Identifiers: Orphanet 652, MedGen C0025267, MeSH D018761, MONDO:0007540, OMIM 131100.
MEN1-related disorder. Also called: MEN1-related condition.
Hereditary cancer-predisposing syndrome. Also called: Tumor predisposition; Hereditary Cancer Syndrome; Neoplastic Syndromes, Hereditary; Hereditary neoplastic syndrome. Identifiers: Orphanet 140162, MedGen C0027672, MeSH D009386, MONDO:0015356.

Allele frequency attached by ClinVar (database versions not stated): gnomAD 0.00001 and 0.00002; TOPMed 0.00001; gnomAD exomes 0.00002 and 0.00004; ExAC 0.00007.

Submissions (10):

CeGaT Center for Human Genetics Tuebingen
Classification: Likely benign. Last evaluated: 2026-04-01. Review status: criteria provided, single submitter. Criteria: CeGaT Center For Human Genetics Tuebingen Variant Classification Criteria Version 2. Collection method: clinical testing. Allele origin: germline. Affected: yes. Observed: 2 variant alleles.
Comment: MEN1: BP4, BP7

Labcorp Genetics (formerly Invitae), Labcorp
Classification: Likely benign for Multiple endocrine neoplasia, type 1. Last evaluated: 2026-01-16. Review status: criteria provided, single submitter. Criteria: Invitae Variant Classification Sherloc (09022015). Collection method: clinical testing. Allele origin: germline.

Center for Genomic Medicine, Rigshospitalet, Copenhagen University Hospital
Classification: Likely benign. Last evaluated: 2025-03-04. Review status: criteria provided, single submitter. Criteria: ACMG Guidelines, 2015. Collection method: clinical testing. Allele origin: germline.

Myriad Genetics, Inc.
Classification: Benign for Multiple endocrine neoplasia, type 1. Last evaluated: 2024-11-05. Review status: criteria provided, single submitter. Criteria: Myriad Autosomal Dominant, Autosomal Recessive and X-Linked Classification Criteria (2023). Collection method: clinical testing. Allele origin: unknown.
Comment: This variant is considered benign. This variant is a silent/synonymous amino acid change and it is not expected to impact splicing.

Blueprint Genetics
Classification: Likely benign. Last evaluated: 2024-04-25. Review status: criteria provided, single submitter. Criteria: ACMG Guidelines, 2015. Collection method: clinical testing. Allele origin: germline.

All of Us Research Program, National Institutes of Health
Classification: Likely benign for Multiple endocrine neoplasia, type 1. Last evaluated: 2023-10-27. Review status: criteria provided, single submitter. Criteria: ACMG Guidelines, 2015. Collection method: clinical testing. Allele origin: germline. Inheritance: Autosomal dominant inheritance. Observed: 6 variant alleles, 6 heterozygotes.
Comment: This study involves interpretation of variants in research participants for the purpose of population health screening. Participant phenotype was not available at the time of variant classification. Additional details can be found in publication PMID: 35346344, PMCID: PMC8962531

KCCC/NGS Laboratory, Kuwait Cancer Control Center
Classification: Likely benign for Multiple endocrine neoplasia, type 1. Last evaluated: 2023-07-07. Review status: criteria provided, single submitter. Criteria: ACMG Guidelines, 2015. Collection method: clinical testing. Allele origin: germline. Affected: yes.

Color Diagnostics, LLC DBA Color Health
Classification: Likely benign for Multiple endocrine neoplasia, type 1. Last evaluated: 2022-11-06. Review status: criteria provided, single submitter. Criteria: ACMG Guidelines, 2015. Collection method: clinical testing. Allele origin: germline.

Ambry Genetics
Classification: Likely benign for Hereditary cancer-predisposing syndrome. Last evaluated: 2018-07-20. Review status: criteria provided, single submitter. Criteria: Ambry Variant Classification Scheme 2023. Collection method: clinical testing. Allele origin: germline.

PreventionGenetics, part of Exact Sciences
Classification: Likely benign for MEN1-related condition. Last evaluated: 2024-08-26. Review status: no assertion criteria provided. Collection method: clinical testing. Allele origin: germline. Not counted in ClinVar's aggregate classification.
Comment: This variant is classified as likely benign based on ACMG/AMP sequence variant interpretation guidelines (Richards et al. 2015 PMID: 25741868, with internal and published modifications).